The following is an entry in ClinVar:

ClinVar aggregate classification (germline): Uncertain significance (1 of 4 stars; one submission).

Conditions:
Cardioencephalomyopathy, fatal infantile, due to cytochrome c oxidase deficiency 1 (MC4DN2). Also called: MITOCHONDRIAL COMPLEX IV DEFICIENCY, NUCLEAR TYPE 2; CYTOCHROME c OXIDASE DEFICIENCY, FATAL INFANTILE, WITH CARDIOENCEPHALOMYOPATHY. Identifiers: Orphanet 1561, MedGen C5399977, MONDO:0011451, OMIM 604377.

Submission:

3billion
Classification: Uncertain significance for Cardioencephalomyopathy, fatal infantile, due to cytochrome c oxidase deficiency 1. Last evaluated: 2025-05-23. Review status: criteria provided, single submitter. Criteria: ACMG Guidelines, 2015. Collection method: clinical testing. Allele origin: germline. Affected: yes.
Comment: The variant is not observed in the gnomAD v4.1.0 dataset. Predicted Consequence/Location: Missense variant. The majority of the known disease-causing variants of this gene are variants expected to result in premature termination of the protein. In silico tool predictions suggest damaging effect of the variant on gene or gene product [REVEL: 0.68 (>=0.6, sensitivity 0.68 and specificity 0.92); 3Cnet: 0.70 (> 0.75, sensitivity 0.96 and precision 0.92)]. Different missense changes at the same codon have been reported as of uncertain significance (ClinVar ID: VCV002017425). Therefore, this variant is classified as VUS according to the recommendation of ACMG/AMP guideline.

NM_005138.3(SCO2):c.557C>A (p.Pro186Gln)

Genes: SCO2 (synthesis of cytochrome C oxidase 2; minus strand), NCAPH2 (non-SMC condensin II complex subunit H2; plus strand). Cytogenetic location: 22q13.33.
Variant type: single nucleotide variant.
Coding change: c.557C>A on transcript NM_005138.3 (MANE Select); coding-DNA position 557, C replaced by A.
Protein change: p.Pro186Gln; replaces proline 186 with glutamine.
Molecular consequence: missense variant. On other transcripts: 3 prime UTR variant (2).
Genome position (GRCh38, 1-based): chr22:50,523,855, G>T on the plus strand (C>A on the coding strand, the complement: SCO2 is on the minus strand). VCF-style: chr22-50523855-G-T. GRCh37 (hg19) VCF-style: chr22-50962284-G-T.
Other names: c.*480G>T (NM_001185011.2, NM_152299.4); c.557C>A, p.Pro186Gln (NM_001169109.2, NM_001169110.1, NM_001169111.2); short protein forms P186Q.
Identifiers: ClinVar variation 4854780 (VCV004854780.1).